The following is an entry in ClinVar:

ClinVar aggregate classification (germline): Uncertain significance (1 of 4 stars; one submission).

Conditions:
Hereditary pancreatitis (PCTT). Also called: Hereditary chronic pancreatitis; PRSS1-Related Hereditary Pancreatitis. Identifiers: Orphanet 676, MedGen C0238339, MONDO:0008185, OMIM 167800.

Allele frequency attached by ClinVar (database versions not stated): gnomAD exomes below 0.00001; TOPMed below 0.00001.
gnomAD v4.1: 2 of 1,613,454 alleles (0.00012%); highest among the groups gnomAD compares: Non-Finnish European, 0.00017%; no homozygotes.

Submission:

Ambry Genetics
Classification: Uncertain significance for Hereditary pancreatitis. Last evaluated: 2024-10-14. Review status: criteria provided, single submitter. Criteria: Ambry Variant Classification Scheme 2023. Collection method: clinical testing. Allele origin: germline.
Comment: The p.A106T variant (also known as c.316G>A), located in coding exon 3 of the CPA1 gene, results from a G to A substitution at nucleotide position 316. The alanine at codon 106 is replaced by threonine, an amino acid with similar properties. This amino acid position is conserved. In addition, this alteration is predicted to be tolerated by in silico analysis. Since supporting evidence is limited at this time, the clinical significance of this alteration remains unclear.

NM_001868.4(CPA1):c.316G>A (p.Ala106Thr)

Gene: CPA1 (carboxypeptidase A1; plus strand). Cytogenetic location: 7q32.2.
Variant type: single nucleotide variant.
Coding change: c.316G>A on transcript NM_001868.4 (MANE Select); coding-DNA position 316, G replaced by A.
Protein change: p.Ala106Thr; replaces alanine 106 with threonine.
Molecular consequence: missense variant.
Genome position (GRCh38, 1-based): chr7:130,381,798, G>A. VCF-style: chr7-130381798-G-A. GRCh37 (hg19) VCF-style: chr7-130021639-G-A.
Other names: short protein forms A106T.
Identifiers: ClinVar variation 1728413 (VCV001728413.3), dbSNP rs200161199, ClinGen allele CA166885477.